The following is an entry in ClinVar:

NM_080424.4(SP110):c.1815+4A>T

Gene: SP110 (SP110 nuclear body protein; minus strand). Cytogenetic location: 2q37.1.
Variant type: single nucleotide variant.
Coding change: c.1815+4A>T on transcript NM_080424.4 (MANE Select); 4 bases into the intron after coding-DNA position 1815, A replaced by T.
Molecular consequence: intron variant.
Genome position (GRCh38, 1-based): chr2:230,172,062, T>A on the plus strand (A>T on the coding strand, the complement: SP110 is on the minus strand). VCF-style: chr2-230172062-T-A. GRCh37 (hg19) VCF-style: chr2-231036778-T-A.
Other names: c.1833+4A>T (NM_001378446.1, NM_001378445.1, NM_001378442.1 and 1 more transcripts); c.1815+4A>T (NM_004509.5, NM_001378443.1).
Identifiers: ClinVar variation 1435218 (VCV001435218.4), dbSNP rs978837440, ClinGen allele CA66730561.
Genomic context (GRCh38, chr2:230,172,062, plus strand): 5'-TGCCTGTTTGTGCTTCTCGTGTGAGAAGGGAAAAGTATAGGTTTGGGGTTTGCATCCAAC[T>A]CACCAGCTGGTCCTGAGGCTGCATCTGCCTCTCCAGGGTCTTAGATACATGATGGCACTG-3'

ClinVar aggregate classification (germline): Uncertain significance (1 of 4 stars; one submission).

Conditions:
Hepatic veno-occlusive disease-immunodeficiency syndrome. Also called: Hepatic Veno-Occlusive Disease with Immunodeficiency. Identifiers: Orphanet 79124, MedGen C1856128, MONDO:0009338, OMIM 235550. Disease mechanism: loss of function.

Allele frequency attached by ClinVar (database versions not stated): gnomAD exomes below 0.00001; TOPMed below 0.00001.
gnomAD v4.1: 2 of 1,572,088 alleles (0.00013%); highest among the groups gnomAD compares: Non-Finnish European, 0.00018%; no homozygotes.

Submission:

Labcorp Genetics (formerly Invitae), Labcorp
Classification: Uncertain significance for Hepatic veno-occlusive disease-immunodeficiency syndrome. Last evaluated: 2021-01-30. Review status: criteria provided, single submitter. Criteria: Invitae Variant Classification Sherloc (09022015). Collection method: clinical testing. Allele origin: germline.
Comment: In summary, the available evidence is currently insufficient to determine the role of this variant in disease. Therefore, it has been classified as a Variant of Uncertain Significance. Nucleotide substitutions within the consensus splice site are a relatively common cause of aberrant splicing (PMID: 17576681, 9536098). Algorithms developed to predict the effect of sequence changes on RNA splicing suggest that this variant may disrupt the consensus splice site, but this prediction has not been confirmed by published transcriptional studies. This variant has not been reported in the literature in individuals with SP110-related conditions. This variant is not present in population databases (ExAC no frequency). This sequence change falls in intron 16 of the SP110 gene. It does not directly change the encoded amino acid sequence of the SP110 protein. It affects a nucleotide within the consensus splice site of the intron.

Literature cited by the submitters: PubMed 17576681; PubMed 9536098.